The following is an entry in ClinVar:

NM_001171.6(ABCC6):c.1898G>A (p.Ser633Asn)

Gene: ABCC6 (ATP binding cassette subfamily C member 6; minus strand). Cytogenetic location: 16p13.11.
Variant type: single nucleotide variant.
Coding change: c.1898G>A on transcript NM_001171.6 (MANE Select); coding-DNA position 1898, G replaced by A.
Protein change: p.Ser633Asn; replaces serine 633 with asparagine.
Molecular consequence: missense variant. On other transcripts: non-coding transcript variant (4).
Genome position (GRCh38, 1-based): chr16:16,185,004, C>T on the plus strand (G>A on the coding strand, the complement: ABCC6 is on the minus strand). VCF-style: chr16-16185004-C-T. GRCh37 (hg19) VCF-style: chr16-16278861-C-T.
Other names: c.1556G>A, p.Ser519Asn (NM_001351800.1); c.1898G>A, p.Ser633Asn (NM_001440309.1, NM_001440310.1); short protein forms S519N, S633N.
Identifiers: ClinVar variation 5038949 (VCV005038949.1).

ClinVar aggregate classification (germline): Uncertain significance (1 of 4 stars; one submission).

gnomAD v4.1: 4 of 1,613,856 alleles (0.00025%); highest among the groups gnomAD compares: African/African-American, 0.004%; no homozygotes.

Submission:

CeGaT Center for Human Genetics Tuebingen
Classification: Uncertain significance. Last evaluated: 2026-06-01. Review status: criteria provided, single submitter. Criteria: CeGaT Center For Human Genetics Tuebingen Variant Classification Criteria Version 2. Collection method: clinical testing. Allele origin: germline. Affected: yes. Observed: 1 variant allele.
Comment: ABCC6: PM2, PM3:Supporting, PM5:Supporting, BP4